The following is an entry in ClinVar:

NM_014727.3(KMT2B):c.7271dup (p.Ser2425fs)

Gene: KMT2B (lysine methyltransferase 2B; plus strand). Cytogenetic location: 19q13.12.
Variant type: Duplication.
Coding change: c.7271dup on transcript NM_014727.3 (MANE Select); coding-DNA position 7271, one base duplicated (T; older notation c.7271dupT).
Protein change: p.Ser2425fs; shifts the reading frame from serine 2425.
Molecular consequence: frameshift variant.
Genome position (GRCh38, 1-based): chr19:35,736,801, T duplicated; the last of 2 consecutive T bases (chr19:35,736,800-35,736,801); duplicating either gives the same sequence. VCF-style (leftmost placement, unchanged base first): chr19-35736799-G-GT. GRCh37 (hg19) VCF-style: chr19-36227700-G-GT.
Other names: c.7271dupT (NM_014727.2); short protein forms S2425fs.
Identifiers: ClinVar variation 450023 (VCV000450023.2), dbSNP rs1555734445, ClinGen allele CA658658805.
Genomic context (GRCh38, chr19:35,736,799, plus strand): 5'-GAACCAGGCCCCAAAACGGACTGGCCCACATCTGCGCTTCGAGATCAGCAGTGAGGATGG[G>GT]TTCAGCGTTGAGGCAGAGAGCTTGGAGGGTGAGTGGGGGGAGTGCAGTGGCAGGAGGGAG-3'

ClinVar aggregate classification (germline): Pathogenic (1 of 4 stars; one submission).

Submission:

GeneDx
Classification: Pathogenic. Last evaluated: 2017-06-28. Review status: criteria provided, single submitter. Criteria: GeneDx Variant Classification (06012015). Collection method: clinical testing. Allele origin: germline. Affected: yes.
Comment: The c.7271dupT variant in the KMT2B gene has not been reported previously as a pathogenic variant nor as a benign variant, to our knowledge. The c.7271dupT variant causes a frameshift starting with codon Serine 2425, changes this amino acid to a Glutamine residue, and creates a premature Stop codon at position 3 of the new reading frame, denoted p.Ser2425GlnfsX3. This variant is predicted to cause loss of normal protein function either through protein truncation or nonsense-mediated mRNA decay. The c.7271dupT variant is not observed in large population cohorts (Lek et al., 2016; 1000 Genomes Consortium et al., 2015; Exome Variant Server). We interpret c.7271dupT as a pathogenic variant.